The following is an entry in ClinVar:

NM_007294.3(BRCA1):c.442-?_547+?(2)

Gene: BRCA1 (BRCA1 DNA repair associated; minus strand). Cytogenetic location: 17q21.31.
Variant type: Duplication.
Coding change: c.442-?_547+?(2) on transcript NM_007294.3.
Other names: Duplication Exon 7; c.442-?_547+?(2) (LRG_292t1).
Identifiers: ClinVar variation 89065 (VCV000089065.3).

ClinVar aggregate classification (germline): Conflicting classifications of pathogenicity. Review status: criteria provided, conflicting classifications (1 of 4 stars). 2 submissions from 2 submitters: Likely pathogenic (1); Uncertain significance (1). Last evaluated 2016-06-04.

Conditions:
Hereditary breast ovarian cancer syndrome. Also called: Hereditary breast and ovarian cancer; Breast and ovarian cancer; Hereditary breast and ovarian cancer syndrome; Hereditary breast and ovarian cancer syndrome (HBOC); BRCA1- and BRCA2-Associated Hereditary Breast and Ovarian Cancer; Hereditary breast and/or ovarian cancer syndrome. Identifiers: Orphanet 145, MedGen C0677776, MeSH D061325, MONDO:0003582. Disease mechanism: loss of function.
Familial cancer of breast. Also called: Hereditary breast cancer; hereditary breast carcinoma; BREAST CANCER, FAMILIAL. Identifiers: Orphanet 227535, MedGen C0346153, MONDO:0016419, OMIM 114480. Disease mechanism: loss of function.

Submissions (2):

Labcorp Genetics (formerly Invitae), Labcorp
Classification: Likely pathogenic for Hereditary breast ovarian cancer syndrome. Last evaluated: 2016-06-04. Review status: criteria provided, single submitter. Criteria: Invitae Variant Classification Sherloc (09022015). Collection method: clinical testing. Allele origin: germline.
Comment: This variant is a gross duplication of the genomic region encompassing exon 7 of the BRCA1 gene. While the exact position of the duplicated exon cannot be determined from this data, the duplicated copy of this region is likely in tandem and may result in an absent or disrupted protein product. While this particular variant has not been reported in the literature, loss-of-function variants in BRCA1 are known to be pathogenic (PMID: 20104584). In summary, sub-genic duplications are generally in tandem (PMID: 25640679), and may result in an absent or disrupted protein. However, the exact location of this duplication has not been confirmed. Therefore, it has been classified as Likely Pathogenic.

GeneDx
Classification: Uncertain significance for Familial cancer of breast. Review status: criteria provided, single submitter. Criteria: GeneDx Variant Classification (06012015). Collection method: clinical testing. Allele origin: germline.
Comment: whole or partial BRCA1 and BRCA2 large deletions and duplications have been reported in approximately 6-10% of individuals with BRCA-associated Hereditary Breast and Ovarian Cancer (Judkins 2012)